The following is an entry in ClinVar:

ClinVar aggregate classification (germline): Uncertain significance (1 of 4 stars; one submission).

Conditions:
Peroxisome biogenesis disorder, complementation group 7 (CG7). Also called: Peroxisome biogenesis disorder, complementation group B. Identifiers: MedGen C1864399.

Allele frequency attached by ClinVar (database versions not stated): TOPMed below 0.00001; gnomAD 0.00001.

Submission:

Labcorp Genetics (formerly Invitae), Labcorp
Classification: Uncertain significance for Peroxisome biogenesis disorder, complementation group 7. Last evaluated: 2023-06-13. Review status: criteria provided, single submitter. Criteria: Invitae Variant Classification Sherloc (09022015). Collection method: clinical testing. Allele origin: germline.
Comment: This sequence change replaces valine, which is neutral and non-polar, with isoleucine, which is neutral and non-polar, at codon 210 of the PEX10 protein (p.Val210Ile). This variant is not present in population databases (gnomAD no frequency). In summary, the available evidence is currently insufficient to determine the role of this variant in disease. Therefore, it has been classified as a Variant of Uncertain Significance. Algorithms developed to predict the effect of sequence changes on RNA splicing suggest that this variant may create or strengthen a splice site. Algorithms developed to predict the effect of missense changes on protein structure and function output the following: SIFT: "Not Available"; PolyPhen-2: "Benign"; Align-GVGD: "Not Available". The isoleucine amino acid residue is found in multiple mammalian species, which suggests that this missense change does not adversely affect protein function. ClinVar contains an entry for this variant (Variation ID: 1034924). This variant has not been reported in the literature in individuals affected with PEX10-related conditions.

NM_002617.4(PEX10):c.601-33G>A

Gene: PEX10 (peroxisomal biogenesis factor 10; minus strand). Cytogenetic location: 1p36.32.
Variant type: single nucleotide variant.
Coding change: c.601-33G>A on transcript NM_002617.4 (MANE Select); 33 bases into the intron before coding-DNA position 601, G replaced by A.
Molecular consequence: intron variant. On other transcripts: missense variant (3).
Genome position (GRCh38, 1-based): chr1:2,406,928, C>T on the plus strand (G>A on the coding strand, the complement: PEX10 is on the minus strand). VCF-style: chr1-2406928-C-T. GRCh37 (hg19) VCF-style: chr1-2338367-C-T.
Other names: c.625G>A, p.Val209Ile (NM_001374425.1); c.193G>A, p.Val65Ile (NM_001374426.1); c.628G>A, p.Val210Ile (NM_153818.2); c.169-33G>A (NM_001374427.1); short protein forms V209I, V210I, V65I.
Identifiers: ClinVar variation 1034924 (VCV001034924.5), dbSNP rs1187656235, ClinGen allele CA337985920.